The following is an entry in ClinVar:

ClinVar aggregate classification (germline): Uncertain significance (1 of 4 stars; one submission).

Conditions:
Cystic fibrosis (CF). Also called: MUCOVISCIDOSIS. Identifiers: Orphanet 586, MedGen C0010674, MONDO:0009061, OMIM 219700. Disease mechanism: loss of function.

Submission:

Ambry Genetics
Classification: Uncertain significance for Cystic fibrosis. Last evaluated: 2025-05-19. Review status: criteria provided, single submitter. Criteria: Ambry Variant Classification Scheme 2023. Collection method: clinical testing. Allele origin: germline.
Comment: The p.R419G variant (also known as c.1255A>G), located in coding exon 10 of the CFTR gene, results from an A to G substitution at nucleotide position 1255. The arginine at codon 419 is replaced by glycine, an amino acid with dissimilar properties. This amino acid position is conserved. In addition, this alteration is predicted to be tolerated by in silico analysis. Since supporting evidence is limited at this time, the clinical significance of this alteration remains unclear.

NM_000492.4(CFTR):c.1255A>G (p.Arg419Gly)

Genes: CFTR (CF transmembrane conductance regulator; plus strand), CFTR-AS1 (CFTR antisense RNA 1; minus strand). Cytogenetic location: 7q31.2.
Variant type: single nucleotide variant.
Coding change: c.1255A>G on transcript NM_000492.4 (MANE Select); coding-DNA position 1255, A replaced by G.
Protein change: p.Arg419Gly; replaces arginine 419 with glycine.
Molecular consequence: missense variant.
Genome position (GRCh38, 1-based): chr7:117,548,686, A>G. VCF-style: chr7-117548686-A-G. GRCh37 (hg19) VCF-style: chr7-117188740-A-G.
Other names: short protein forms R419G.
Identifiers: ClinVar variation 1761668 (VCV001761668.3), dbSNP rs1799211526, ClinGen allele CA368981500.